The following is an entry in ClinVar:

NM_198904.4(GABRG2):c.248C>T (p.Pro83Leu)

Gene: GABRG2 (gamma-aminobutyric acid type A receptor subunit gamma2; plus strand). Cytogenetic location: 5q34.
Variant type: single nucleotide variant.
Coding change: c.248C>T on transcript NM_198904.4 (MANE Select); coding-DNA position 248, C replaced by T.
Protein change: p.Pro83Leu; replaces proline 83 with leucine.
Molecular consequence: missense variant. On other transcripts: 5 prime UTR variant (3).
Genome position (GRCh38, 1-based): chr5:162,093,968, C>T. VCF-style: chr5-162093968-C-T. GRCh37 (hg19) VCF-style: chr5-161520974-C-T.
Other names: c.248C>T, p.Pro83Leu (NM_000816.3, NM_001375340.1, NM_001375341.1 and 4 more transcripts); c.239C>T, p.Pro80Leu (NM_001375339.1); c.182C>T, p.Pro61Leu (NM_001375345.1, NM_001375346.1); c.161C>T, p.Pro54Leu (NM_001375347.1); c.-111C>T (NM_001375348.1, NM_001375350.1); c.-38C>T (NM_001375349.1); short protein forms P61L, P54L, P83L, P80L.
Identifiers: ClinVar variation 1042549 (VCV001042549.12), dbSNP rs1760808499, ClinGen allele CA362183136.

ClinVar aggregate classification (germline): Likely pathogenic. Review status: criteria provided, multiple submitters, no conflicts (2 of 4 stars). 2 submissions from 2 submitters: Likely pathogenic (2). Last evaluated 2025-03-12.

Conditions:
GABRG2-related disorder. Also called: GABRG2-related condition.
Febrile seizures, familial, 8 (FEB8). Also called: CONVULSIONS, FAMILIAL FEBRILE, 8. Identifiers: Orphanet 36387, MedGen C1969810, MONDO:0011891, OMIM 607681.
EPILEPSY, CHILDHOOD ABSENCE, SUSCEPTIBILITY TO, 2 (ECA2). Identifiers: Orphanet 64280, MedGen C1843244, OMIM 607681.

Submissions (2):

PreventionGenetics, part of Exact Sciences
Classification: Likely pathogenic for GABRG2-related condition. Last evaluated: 2025-03-12. Review status: criteria provided, single submitter. Criteria: ACMG Guidelines, 2015. Collection method: clinical testing. Allele origin: germline.
Comment: The GABRG2 c.248C>T variant is predicted to result in the amino acid substitution p.Pro83Leu. To our knowledge, this variant has not been reported in the literature or in a large population database (gnomAD), indicating this variant is rare. In ClinVar, this variant has been interpreted as likely pathogenic. An alternate missense change at the same amino acid position (p.Pro83Ser) has been reported in individuals with familial epilepsy (see for example, Lachance-Touchette et al. 2011. PubMed ID: 21714819; Huang et al. 2014. PubMed ID: 24798517; Komulainen-Ebrahim et al. 2019. PubMed ID: 31004928). The c.248C>T variant is interpreted as likely pathogenic.

Labcorp Genetics (formerly Invitae), Labcorp
Classification: Likely pathogenic for Febrile seizures, familial, 8; EPILEPSY, CHILDHOOD ABSENCE, SUSCEPTIBILITY TO, 2. Last evaluated: 2022-11-28. Review status: criteria provided, single submitter. Criteria: Invitae Variant Classification Sherloc (09022015). Collection method: clinical testing. Allele origin: germline.
Comment: This sequence change replaces proline, which is neutral and non-polar, with leucine, which is neutral and non-polar, at codon 83 of the GABRG2 protein (p.Pro83Leu). This variant is not present in population databases (gnomAD no frequency). This variant has not been reported in the literature in individuals affected with GABRG2-related conditions. ClinVar contains an entry for this variant (Variation ID: 1042549). Advanced modeling of protein sequence and biophysical properties (such as structural, functional, and spatial information, amino acid conservation, physicochemical variation, residue mobility, and thermodynamic stability) performed at Invitae indicates that this missense variant is expected to disrupt GABRG2 protein function. This variant disrupts the p.Pro83 amino acid residue in GABRG2. Other variant(s) that disrupt this residue have been determined to be pathogenic (PMID: 21714819). This suggests that this residue is clinically significant, and that variants that disrupt this residue are likely to be disease-causing. In summary, the currently available evidence indicates that the variant is pathogenic, but additional data are needed to prove that conclusively. Therefore, this variant has been classified as Likely Pathogenic.

Literature cited by the submitters: PubMed 21714819 (cited by Labcorp Genetics (formerly Invitae), Labcorp).